The following is an entry in ClinVar:

NM_001271.4(CHD2):c.2013G>A (p.Trp671Ter)

Gene: CHD2 (chromodomain helicase DNA binding protein 2; plus strand). Cytogenetic location: 15q26.1.
Variant type: single nucleotide variant.
Coding change: c.2013G>A on transcript NM_001271.4 (MANE Select); coding-DNA position 2013, G replaced by A.
Protein change: p.Trp671Ter; replaces tryptophan 671 with a stop codon.
Molecular consequence: nonsense.
Genome position (GRCh38, 1-based): chr15:92,967,337, G>A. VCF-style: chr15-92967337-G-A. GRCh37 (hg19) VCF-style: chr15-93510567-G-A.
Other names: short protein forms W671*.
Identifiers: ClinVar variation 1993128 (VCV001993128.4), dbSNP rs2505515664, ClinGen allele CA393907008.

ClinVar aggregate classification (germline): Pathogenic (1 of 4 stars; one submission).

Conditions:
Developmental and epileptic encephalopathy 94 (DEE94). Also called: CHD2-Related Neurodevelopmental Disorders; Epileptic encephalopathy, childhood-onset. Identifiers: Orphanet 1942, Orphanet 2382, MedGen C3809278, MONDO:0014150, OMIM 615369.

Submission:

Labcorp Genetics (formerly Invitae), Labcorp
Classification: Pathogenic for Developmental and epileptic encephalopathy 94. Last evaluated: 2022-05-11. Review status: criteria provided, single submitter. Criteria: Invitae Variant Classification Sherloc (09022015). Collection method: clinical testing. Allele origin: germline.
Comment: For these reasons, this variant has been classified as Pathogenic. This variant has not been reported in the literature in individuals affected with CHD2-related conditions. This variant is not present in population databases (gnomAD no frequency). This sequence change creates a premature translational stop signal (p.Trp671*) in the CHD2 gene. It is expected to result in an absent or disrupted protein product. Loss-of-function variants in CHD2 are known to be pathogenic (PMID: 23708187, 24207121).

Literature cited by the submitters: PubMed 23708187; PubMed 24207121.